The following is an entry in ClinVar:

NM_016616.5(NME8):c.1622C>A (p.Pro541Gln)

Gene: NME8 (NME/NM23 family member 8; plus strand). Cytogenetic location: 7p14.1.
Variant type: single nucleotide variant.
Coding change: c.1622C>A on transcript NM_016616.5 (MANE Select); coding-DNA position 1622, C replaced by A.
Protein change: p.Pro541Gln; replaces proline 541 with glutamine.
Molecular consequence: missense variant.
Genome position (GRCh38, 1-based): chr7:37,896,947, C>A. VCF-style: chr7-37896947-C-A. GRCh37 (hg19) VCF-style: chr7-37936549-C-A.
Other names: short protein forms P541Q.
Identifiers: ClinVar variation 1776627 (VCV001776627.2), dbSNP rs2483676426, ClinGen allele CA367217828.

ClinVar aggregate classification (germline): Uncertain significance (1 of 4 stars; one submission).

Conditions:
Primary ciliary dyskinesia. Also called: Ciliary dyskinesia. Identifiers: Orphanet 244, MedGen C0008780, MONDO:0016575, HP:0012265.

Submission:

Ambry Genetics
Classification: Uncertain significance for Primary ciliary dyskinesia. Last evaluated: 2022-04-09. Review status: criteria provided, single submitter. Criteria: Ambry Variant Classification Scheme 2023. Collection method: clinical testing. Allele origin: germline.
Comment: The p.P541Q variant (also known as c.1622C>A), located in coding exon 15 of the NME8 gene, results from a C to A substitution at nucleotide position 1622. The proline at codon 541 is replaced by glutamine, an amino acid with similar properties. This amino acid position is conserved. In addition, this alteration is predicted to be deleterious by in silico analysis. Since supporting evidence is limited at this time, the clinical significance of this alteration remains unclear.